The following is an entry in ClinVar:

ClinVar aggregate classification (germline): Uncertain significance (1 of 4 stars; one submission).

Conditions:
Leukocyte adhesion deficiency 3. Also called: INTEGRIN ACTIVATION DEFICIENCY DISEASE; LEUKOCYTE ADHESION DEFICIENCY 1 VARIANT; Leukocyte adhesion deficiency, type III. Identifiers: Orphanet 2968, Orphanet 99844, MedGen C2748536, MONDO:0013016, OMIM 612840.

Allele frequency attached by ClinVar (database versions not stated): gnomAD exomes below 0.00001.
gnomAD v4.1: 1 of 1,613,692 alleles (0.000062%); highest among the groups gnomAD compares: Non-Finnish European, 0.000085%; no homozygotes.

Submission:

Labcorp Genetics (formerly Invitae), Labcorp
Classification: Uncertain significance for Leukocyte adhesion deficiency 3. Last evaluated: 2021-04-02. Review status: criteria provided, single submitter. Criteria: Invitae Variant Classification Sherloc (09022015). Collection method: clinical testing. Allele origin: germline.
Comment: In summary, the available evidence is currently insufficient to determine the role of this variant in disease. Therefore, it has been classified as a Variant of Uncertain Significance. Algorithms developed to predict the effect of missense changes on protein structure and function output the following: SIFT: "Tolerated"; PolyPhen-2: "Benign"; Align-GVGD: "Class C0". The alanine amino acid residue is found in multiple mammalian species, suggesting that this missense change does not adversely affect protein function. These predictions have not been confirmed by published functional studies and their clinical significance is uncertain. This variant has not been reported in the literature in individuals with FERMT3-related conditions. This variant is not present in population databases (ExAC no frequency). This sequence change replaces threonine with alanine at codon 348 of the FERMT3 protein (p.Thr348Ala). The threonine residue is moderately conserved and there is a small physicochemical difference between threonine and alanine.

NM_031471.6(FERMT3):c.1042A>G (p.Thr348Ala)

Gene: FERMT3 (FERM domain containing kindlin 3; plus strand). Cytogenetic location: 11q13.1.
Variant type: single nucleotide variant.
Coding change: c.1042A>G on transcript NM_031471.6 (MANE Select); coding-DNA position 1042, A replaced by G.
Protein change: p.Thr348Ala; replaces threonine 348 with alanine.
Molecular consequence: missense variant.
Genome position (GRCh38, 1-based): chr11:64,219,752, A>G. VCF-style: chr11-64219752-A-G. GRCh37 (hg19) VCF-style: chr11-63987224-A-G.
Other names: c.1042A>G, p.Thr348Ala (NM_001382361.1, NM_001382362.1, NM_001382448.1 and 1 more transcripts); c.502A>G, p.Thr168Ala (NM_001382363.1, NM_001382364.1); short protein forms T348A, T168A.
Identifiers: ClinVar variation 1522470 (VCV001522470.8), dbSNP rs2134881583, ClinGen allele CA381085743.